The following is an entry in ClinVar:

NM_000057.4(BLM):c.1727C>T (p.Ala576Val)

Gene: BLM (BLM RecQ like helicase; plus strand). Cytogenetic location: 15q26.1.
Variant type: single nucleotide variant.
Coding change: c.1727C>T on transcript NM_000057.4 (MANE Select); coding-DNA position 1727, C replaced by T.
Protein change: p.Ala576Val; replaces alanine 576 with valine.
Molecular consequence: missense variant.
Genome position (GRCh38, 1-based): chr15:90,761,100, C>T. VCF-style: chr15-90761100-C-T. GRCh37 (hg19) VCF-style: chr15-91304330-C-T.
Other names: c.1727C>T, p.Ala576Val (NM_001287246.2, NM_001287247.2); c.602C>T, p.Ala201Val (NM_001287248.2); short protein forms A201V, A576V.
Identifiers: ClinVar variation 1778880 (VCV001778880.3), dbSNP rs2151158861, ClinGen allele CA393843718.

ClinVar aggregate classification (germline): Uncertain significance (1 of 4 stars; one submission).

Conditions:
Hereditary cancer-predisposing syndrome. Also called: Neoplastic Syndromes, Hereditary; Tumor predisposition; Hereditary Cancer Syndrome; Hereditary neoplastic syndrome. Identifiers: Orphanet 140162, MedGen C0027672, MeSH D009386, MONDO:0015356.

gnomAD v4.1: 1 of 1,547,524 alleles (0.000065%); highest among the groups gnomAD compares: African/African-American, 0.0014%; no homozygotes.

Submission:

Ambry Genetics
Classification: Uncertain significance for Hereditary cancer-predisposing syndrome. Last evaluated: 2023-07-27. Review status: criteria provided, single submitter. Criteria: Ambry Variant Classification Scheme 2023. Collection method: clinical testing. Allele origin: germline.
Comment: The p.A576V variant (also known as c.1727C>T), located in coding exon 6 of the BLM gene, results from a C to T substitution at nucleotide position 1727. The alanine at codon 576 is replaced by valine, an amino acid with similar properties. This amino acid position is conserved. In addition, this alteration is predicted to be tolerated by in silico analysis. Since supporting evidence is limited at this time, the clinical significance of this alteration remains unclear.